The following is an entry in ClinVar:

NM_005515.4(MNX1):c.403_404insCCGCCG (p.Ala133_Ala134dup)

Genes: MNX1 (motor neuron and pancreas homeobox 1; minus strand), LOC129999736 (ATAC-STARR-seq lymphoblastoid silent region 18858; plus strand). Cytogenetic location: 7q36.3.
Variant type: Insertion.
Coding change: c.403_404insCCGCCG on transcript NM_005515.4 (MANE Select); coding-DNA positions 403 to 404, CCGCCG inserted.
Protein change: p.Ala133_Ala134dup.
Molecular consequence: inframe insertion.
Genome position: GRCh38 VCF-style: chr7-157009947-C-CCGGCGG. GRCh37 (hg19) VCF-style: chr7-156802641-C-CCGGCGG.
Identifiers: ClinVar variation 1177509 (VCV001177509.10), dbSNP rs1290429302, ClinGen allele CA458894410.
Genomic context (GRCh38, chr7:157,009,947, plus strand): 5'-TGCGCCGGGAGGCCCGCGCCGCCCTGCGCGCCCCCAGGGTGCAGCCCCAGCGCCAGGCCC[C>CCGGCGG]CAGCGGCGGCGGCGGCGGCGGCGGCGGCGGCAGCGGCCGCTGCGCCCGGATGCGCGTGGT-3'

ClinVar aggregate classification (germline): Benign (1 of 4 stars; one submission).

Conditions:
Currarino triad. Identifiers: Orphanet 1552, MedGen C1531773, MONDO:0008305, OMIM 176450.

Submission:

Labcorp Genetics (formerly Invitae), Labcorp
Classification: Benign. Last evaluated: 2025-12-08. Review status: criteria provided, single submitter. Criteria: Invitae Variant Classification Sherloc (09022015). Collection method: clinical testing. Allele origin: germline.